The following is an entry in ClinVar:

NC_000015.10:g.(?_25862297)_(26937328_?)del

Genes: ATP10A (ATPase phospholipid transporting 10A (putative); minus strand), GABRA5 (gamma-aminobutyric acid type A receptor subunit alpha5; plus strand), GABRB3 (gamma-aminobutyric acid type A receptor subunit beta3; minus strand). Cytogenetic location: 15q12.
Variant type: Deletion.
Identifiers: ClinVar variation 833345 (VCV000833345.1).

ClinVar aggregate classification (germline): Pathogenic (1 of 4 stars; one submission).

Conditions:
Epilepsy, childhood absence, susceptibility to, 1. Also called: Epilepsy, childhood absence 1. Identifiers: Orphanet 64280, MedGen C1838604, MONDO:0020759, OMIM 600131.
Epilepsy, childhood absence, susceptibility to, 5. Identifiers: Orphanet 64280, MedGen C2677087, MONDO:0012843, OMIM 612269.

Submission:

Labcorp Genetics (formerly Invitae), Labcorp
Classification: Pathogenic for Epilepsy, childhood absence 5; Epilepsy, childhood absence 1. Last evaluated: 2019-10-14. Review status: criteria provided, single submitter. Criteria: Invitae Variant Classification Sherloc (09022015). Collection method: clinical testing. Allele origin: germline.
Comment: A gross deletion of the genomic region encompassing the full coding sequence of the GABRB3 gene has been identified. The boundaries of this event are unknown as the deletion extends beyond the assayed region for this gene and therefore may encompass additional genes. Gross deletions of the GABRB3 gene have been previously described in individuals affected with Angelman syndrome (PMID: 11198279). In each of these cases, however, the deletion event also spanned the entire coding sequence of the UBE3A gene. ClinVar contains an entry for a similar variant (Variation ID: 238187). Loss-of-function variants in GABRB3 are known to be pathogenic (PMID: 26950270, 28053010). For these reasons, this variant has been classified as Pathogenic.

Literature cited by the submitters: PubMed 11198279.